The following is an entry in ClinVar:

NM_080680.3(COL11A2):c.2123C>T (p.Ser708Phe)

Gene: COL11A2 (collagen type XI alpha 2 chain; minus strand). Cytogenetic location: 6p21.32.
Variant type: single nucleotide variant.
Coding change: c.2123C>T on transcript NM_080680.3 (MANE Select); coding-DNA position 2123, C replaced by T.
Protein change: p.Ser708Phe; replaces serine 708 with phenylalanine.
Molecular consequence: missense variant.
Genome position (GRCh38, 1-based): chr6:33,176,479, G>A on the plus strand (C>T on the coding strand, the complement: COL11A2 is on the minus strand). VCF-style: chr6-33176479-G-A. GRCh37 (hg19) VCF-style: chr6-33144256-G-A.
Other names: c.1802C>T, p.Ser601Phe (NM_080679.3); c.1865C>T, p.Ser622Phe (NM_080681.3); short protein forms S708F, S601F, S622F.
Identifiers: ClinVar variation 2193020 (VCV002193020.5), dbSNP rs758695939, ClinGen allele CA363650288.

ClinVar aggregate classification (germline): Uncertain significance. Review status: criteria provided, multiple submitters, no conflicts (2 of 4 stars). 2 submissions from 2 submitters: Uncertain significance (2). Last evaluated 2023-10-19.

Allele frequency attached by ClinVar (database versions not stated): gnomAD exomes below 0.00001.
gnomAD v4.1: 2 of 1,612,302 alleles (0.00012%); highest among the groups gnomAD compares: Non-Finnish European, 0.00017%; no homozygotes.

Submissions (2):

Blueprint Genetics
Classification: Uncertain significance. Last evaluated: 2023-10-19. Review status: criteria provided, single submitter. Criteria: ACMG Guidelines, 2015. Collection method: clinical testing. Allele origin: germline.

Labcorp Genetics (formerly Invitae), Labcorp
Classification: Uncertain significance. Last evaluated: 2022-07-11. Review status: criteria provided, single submitter. Criteria: Invitae Variant Classification Sherloc (09022015). Collection method: clinical testing. Allele origin: germline.
Comment: This variant is not present in population databases (gnomAD no frequency). In summary, the available evidence is currently insufficient to determine the role of this variant in disease. Therefore, it has been classified as a Variant of Uncertain Significance. Advanced modeling of protein sequence and biophysical properties (such as structural, functional, and spatial information, amino acid conservation, physicochemical variation, residue mobility, and thermodynamic stability) performed at Invitae indicates that this missense variant is not expected to disrupt COL11A2 protein function. This variant has not been reported in the literature in individuals affected with COL11A2-related conditions. This sequence change replaces serine, which is neutral and polar, with phenylalanine, which is neutral and non-polar, at codon 708 of the COL11A2 protein (p.Ser708Phe).